The following is an entry in ClinVar:

ClinVar aggregate classification (germline): Pathogenic/Likely pathogenic. Review status: criteria provided, multiple submitters, no conflicts (2 of 4 stars). 4 submissions from 4 submitters: Pathogenic (1); Likely pathogenic (3). Last evaluated 2025-12-15.

Conditions:
Hypohidrotic X-linked ectodermal dysplasia (XHED). Also called: ECTODERMAL DYSPLASIA, HYPOHIDROTIC, 1; CST SYNDROME; Ectodermal Dysplasia 1, Anhidrotic; ECTODERMAL DYSPLASIA 1; ECTODERMAL DYSPLASIA 1, HYPOHIDROTIC/HAIR/TOOTH TYPE, X-LINKED; Anhidrotic ectodermal dysplasia X-linked. Identifiers: Orphanet 181, Orphanet 238468, MedGen C0162359, MONDO:0010585, OMIM 305100.
EDA-related disorder. Also called: EDA-related disorders; EDA-related condition.

Allele frequency attached by ClinVar (database versions not stated): gnomAD exomes below 0.00001.
gnomAD v4.1: 1 of 1,209,125 alleles (0.000083%); highest among the groups gnomAD compares: Admixed American, 0.0022%; no homozygotes.

Submissions (4):

PreventionGenetics, part of Exact Sciences
Classification: Likely pathogenic for EDA-related condition. Last evaluated: 2025-12-15. Review status: criteria provided, single submitter. Criteria: ACMG Guidelines, 2015. Collection method: clinical testing. Allele origin: germline.
Comment: The EDA c.1116C>G variant is predicted to result in the amino acid substitution p.Asn372Lys. This variant was reported as maternally-inherited in an individual with hypohidrotic ectodermal dysplasia (Monroy-Jaramillo et al. 2017. PubMed ID: 28045201). This variant has not been reported in a large population database (gnomAD), indicating this variant is rare. In addition, another missense variant altering the same amino acid (p.Asn372Asp) has been reported in an individual with hypohidrotic ectodermal dysplasia (van der Hout et al. 2008. PubMed ID: 18231121). Based on this evidence, we interpret the c.1116C>G (p.Asn372Lys) variant as likely pathogenic.

Natera, Inc.
Classification: Likely pathogenic for Christ-Siemens-Touraine syndrome. Last evaluated: 2025-10-09. Review status: criteria provided, single submitter. Criteria: Natera Variant Classification Schema (03/2026). Collection method: clinical testing. Allele origin: germline.
Comment: The c.1116C>G variant in EDA is a missense variant predicted to cause substitution of asparagine to lysine at amino acid 372. This variant is rare in the general population with a frequency below the threshold expected for the associated phenotype(s). This variant has been observed in affected individual(s) with monoallelic occurrence (heterozygous/hemizygous) (PMID: 28045201). Additionally, this variant has been observed to segregate in affected family members (PMID: 28045201). Computational prediction algorithms indicate this variant is likely to affect gene or protein function. Given the available evidence, this variant is classified as Likely Pathogenic.

Labcorp Genetics (formerly Invitae), Labcorp
Classification: Pathogenic for Hypohidrotic X-linked ectodermal dysplasia. Last evaluated: 2025-02-23. Review status: criteria provided, single submitter. Criteria: Invitae Variant Classification Sherloc (09022015). Collection method: clinical testing. Allele origin: germline.
Comment: This sequence change replaces asparagine, which is neutral and polar, with lysine, which is basic and polar, at codon 372 of the EDA protein (p.Asn372Lys). This variant is not present in population databases (gnomAD no frequency). This missense change has been observed in individual(s) with hypohidrotic ectodermal dysplasia (PMID: 28045201; internal data). It has also been observed to segregate with disease in related individuals. ClinVar contains an entry for this variant (Variation ID: 839246). Invitae Evidence Modeling of protein sequence and biophysical properties (such as structural, functional, and spatial information, amino acid conservation, physicochemical variation, residue mobility, and thermodynamic stability) indicates that this missense variant is not expected to disrupt EDA protein function with a negative predictive value of 80%. For these reasons, this variant has been classified as Pathogenic.

Blueprint Genetics
Classification: Likely pathogenic for EDA-related disorders. Last evaluated: 2019-12-27. Review status: criteria provided, single submitter. Criteria: ACMG Guidelines, 2015. Collection method: clinical testing. Allele origin: germline. Affected: yes. Observed: 1 variant allele.

Literature cited by the submitters: PubMed 28045201 (cited by Natera, Inc. and Labcorp Genetics (formerly Invitae), Labcorp).

NM_001399.5(EDA):c.1116C>G (p.Asn372Lys)

Gene: EDA (ectodysplasin A; plus strand). Cytogenetic location: Xq13.1.
Variant type: single nucleotide variant.
Coding change: c.1116C>G on transcript NM_001399.5 (MANE Select); coding-DNA position 1116, C replaced by G.
Protein change: p.Asn372Lys; replaces asparagine 372 with lysine.
Molecular consequence: missense variant.
Genome position (GRCh38, 1-based): chrX:70,035,549, C>G. VCF-style: chrX-70035549-C-G. GRCh37 (hg19) VCF-style: chrX-69255399-C-G.
Other names: c.1110C>G, p.Asn370Lys (NM_001005609.2); c.1101C>G, p.Asn367Lys (NM_001005612.3); short protein forms N367K, N372K, N370K.
Identifiers: ClinVar variation 839246 (VCV000839246.16), dbSNP rs2020255486, ClinGen allele CA413450342.
Genomic context (GRCh38, chrX:70,035,549, plus strand): 5'-CCTCCTCAAGGCCCGGCAGAAGATCGCCGTCAAGATGGTGCACGCTGACATCTCCATCAA[C>G]ATGAGCAAGCACACCACGTTCTTTGGGGCCATCAGGCTGGGTGAAGCCCCTGCATCCTAG-3'
Protein context (NP_001390.1, residues 362-382): VKMVHADISI[Asn372Lys]MSKHTTFFGA